The following is an entry in ClinVar:

NM_000440.3(PDE6A):c.2027+9A>G

Gene: PDE6A (phosphodiesterase 6A; minus strand). Cytogenetic location: 5q32.
Variant type: single nucleotide variant.
Coding change: c.2027+9A>G on transcript NM_000440.3 (MANE Select); 9 bases into the intron after coding-DNA position 2027, A replaced by G.
Molecular consequence: intron variant.
Genome position (GRCh38, 1-based): chr5:149,884,470, T>C on the plus strand (A>G on the coding strand, the complement: PDE6A is on the minus strand). VCF-style: chr5-149884470-T-C. GRCh37 (hg19) VCF-style: chr5-149264033-T-C.
Identifiers: ClinVar variation 1945042 (VCV001945042.5), dbSNP rs2480512814, ClinGen allele CA2580073846.

ClinVar aggregate classification (germline): Uncertain significance (1 of 4 stars; one submission).

Submission:

Labcorp Genetics (formerly Invitae), Labcorp
Classification: Uncertain significance. Last evaluated: 2022-11-08. Review status: criteria provided, single submitter. Criteria: Invitae Variant Classification Sherloc (09022015). Collection method: clinical testing. Allele origin: germline.
Comment: In summary, the available evidence is currently insufficient to determine the role of this variant in disease. Therefore, it has been classified as a Variant of Uncertain Significance. Algorithms developed to predict the effect of sequence changes on RNA splicing suggest that this variant may disrupt the consensus splice site. This variant has not been reported in the literature in individuals affected with PDE6A-related conditions. This variant is not present in population databases (gnomAD no frequency). This sequence change falls in intron 16 of the PDE6A gene. It does not directly change the encoded amino acid sequence of the PDE6A protein.